The following is an entry in ClinVar:

NC_000016.10:g.(88810557_88811549)_(88841972_88842705)del

Genes: APRT (adenine phosphoribosyltransferase; minus strand), GALNS (galactosamine (N-acetyl)-6-sulfatase; minus strand), LOC126862447 (CDK7 strongly-dependent group 2 enhancer GRCh37_chr16:88884193-88885392; plus strand), LOC130059760 (ATAC-STARR-seq lymphoblastoid silent region 7879; plus strand). Cytogenetic location: 16q24.3.
Variant type: Deletion.
Identifiers: ClinVar variation 1048367 (VCV001048367.3).

ClinVar aggregate classification (germline): Pathogenic (1 of 4 stars; one submission).

Conditions:
Mucopolysaccharidosis, MPS-IV-A (MPS4A). Also called: Mucopolysaccharidosis type IV A; Mucopolysaccharidosis Type IVA; Morquio syndrome A, mild; MORQUIO SYNDROME A; MPS IVA; mucopolysaccharidosis type 4A. Identifiers: Orphanet 309297, Orphanet 582, MedGen C0086651, MONDO:0009659, OMIM 253000.

Submission:

Laboratory of Diagnosis and Therapy of Lysosomal Disorders, University of Padova
Classification: Pathogenic for Mucopolysaccharidosis, MPS-IV-A. Last evaluated: 2021-02-01. Review status: criteria provided, single submitter. Criteria: ACMG Guidelines, 2015. Collection method: curation. Allele origin: germline. Affected: yes.
Comment: Multiexon deletion(PVS1_very strong); in vivo functional studies supportive of a damaging effect on the gene product (null enzymatic activity in homozygote; PS3_supporting); located in a mutational hot spot and/or critical and well-established functional domain without benign variation (PM1_moderate); absent from gnomAD v2.1.1 (PM2_moderate)

Literature cited by the submitters: PubMed 10479485; PubMed 34387910.